The following is an entry in ClinVar:

NM_130839.5(UBE3A):c.400C>T (p.Leu134Phe)

Genes: SNHG14 (small nucleolar RNA host gene 14; plus strand), UBE3A (ubiquitin protein ligase E3A; minus strand). Cytogenetic location: 15q11.2.
Variant type: single nucleotide variant.
Coding change: c.400C>T on transcript NM_130839.5 (MANE Select); coding-DNA position 400, C replaced by T.
Protein change: p.Leu134Phe; replaces leucine 134 with phenylalanine.
Molecular consequence: missense variant. On other transcripts: non-coding transcript variant (1), intron variant (2).
Genome position (GRCh38, 1-based): chr15:25,371,774, G>A on the plus strand (C>T on the coding strand, the complement: UBE3A is on the minus strand). VCF-style: chr15-25371774-G-A. GRCh37 (hg19) VCF-style: chr15-25616921-G-A.
Other names: c.409C>T, p.Leu137Phe (NM_000462.5); c.400C>T, p.Leu134Phe (NM_001354505.1, NM_001354538.2, NM_001354545.2); c.340C>T, p.Leu114Phe (NM_001354506.2, NM_001354507.2, NM_001354508.2 and 17 more transcripts); c.223C>T, p.Leu75Phe (NM_001354546.2); c.301+3691C>T (NM_001354551.2); c.361+3691C>T (NM_001354550.2); short protein forms L114F, L134F, L137F, L75F.
Identifiers: ClinVar variation 1188289 (VCV001188289.8), dbSNP rs566793027, ClinGen allele CA391355944.
Genomic context (GRCh38, chr15:25,371,774, plus strand): 5'-AAACTCTTCCAATAACACGGATTAAAGGGGAATAATCCTCTCTTTCTCTACATAATTCAA[G>A]AATTTCATATACCTTCTCTTCTGTTAAGTAAGTCACATCTAGAAAATCAGAGGAAAAAAG-3'
Protein context (NP_570854.1, residues 124-144): YLTEEKVYEI[Leu134Phe]ELCREREDYS

ClinVar aggregate classification (germline): Uncertain significance. Review status: criteria provided, multiple submitters, no conflicts (2 of 4 stars). 2 submissions from 2 submitters: Uncertain significance (2). Last evaluated 2024-01-12.

Conditions:
Angelman syndrome (AS). Also called: HAPPY PUPPET SYNDROME. Identifiers: Orphanet 72, MedGen C0162635, MONDO:0007113, OMIM 105830. Disease mechanism: loss of function. Inheritance: AS is caused by disruption of maternally imprinted UBE3A located within the 15q11.2-q13 Angelman syndrome/Prader-Willi syndrome (AS/PWS) region., imprinting disorder.

Submissions (2):

Labcorp Genetics (formerly Invitae), Labcorp
Classification: Uncertain significance for Angelman syndrome. Last evaluated: 2024-01-12. Review status: criteria provided, single submitter. Criteria: Invitae Variant Classification Sherloc (09022015). Collection method: clinical testing. Allele origin: germline.
Comment: This sequence change replaces leucine, which is neutral and non-polar, with phenylalanine, which is neutral and non-polar, at codon 114 of the UBE3A protein (p.Leu114Phe). This variant is not present in population databases (gnomAD no frequency). This variant has not been reported in the literature in individuals affected with UBE3A-related conditions. ClinVar contains an entry for this variant (Variation ID: 1188289). Advanced modeling of protein sequence and biophysical properties (such as structural, functional, and spatial information, amino acid conservation, physicochemical variation, residue mobility, and thermodynamic stability) performed at Invitae indicates that this missense variant is expected to disrupt UBE3A protein function with a positive predictive value of 95%. In summary, the available evidence is currently insufficient to determine the role of this variant in disease. Therefore, it has been classified as a Variant of Uncertain Significance.

GeneDx
Classification: Uncertain significance. Last evaluated: 2019-01-14. Review status: criteria provided, single submitter. Criteria: GeneDx Variant Classification Process June 2021. Collection method: clinical testing. Allele origin: germline. Affected: yes.
Comment: Not observed in large population cohorts (Lek et al., 2016); The majority of missense variants in this gene are considered pathogenic (Stenson et al., 2014); In silico analysis, which includes protein predictors and evolutionary conservation, supports that this variant does not alter protein structure/function; Has not been previously published as pathogenic or benign to our knowledge